The following is an entry in ClinVar:

ClinVar aggregate classification (germline): Uncertain significance (1 of 4 stars; one submission).

gnomAD v4.1: 1 of 1,614,102 alleles (0.000062%); highest among the groups gnomAD compares: Non-Finnish European, 0.000085%; no homozygotes.

Submission:

GeneDx
Classification: Uncertain significance. Last evaluated: 2019-03-13. Review status: criteria provided, single submitter. Criteria: GeneDx Variant Classification Process June 2021. Collection method: clinical testing. Allele origin: germline. Affected: yes.
Comment: Not observed in large population cohorts (Lek et al., 2016); In silico analysis, which includes protein predictors and evolutionary conservation, supports a deleterious effect; Has not been previously published as pathogenic or benign to our knowledge

NM_177550.5(SLC13A5):c.266T>C (p.Leu89Pro)

Gene: SLC13A5 (solute carrier family 13 member 5; minus strand). Cytogenetic location: 17p13.1.
Variant type: single nucleotide variant.
Coding change: c.266T>C on transcript NM_177550.5 (MANE Select); coding-DNA position 266, T replaced by C.
Protein change: p.Leu89Pro; replaces leucine 89 with proline.
Molecular consequence: missense variant.
Genome position (GRCh38, 1-based): chr17:6,706,744, A>G on the plus strand (T>C on the coding strand, the complement: SLC13A5 is on the minus strand). VCF-style: chr17-6706744-A-G. GRCh37 (hg19) VCF-style: chr17-6610063-A-G.
Other names: c.266T>C, p.Leu89Pro (NM_001143838.3, NM_001284509.2); c.137T>C, p.Leu46Pro (NM_001284510.2); short protein forms L46P, L89P.
Identifiers: ClinVar variation 1307547 (VCV001307547.2), dbSNP rs2151498242, ClinGen allele CA397751042.